The following is an entry in ClinVar:

ClinVar aggregate classification (germline): Uncertain significance (1 of 4 stars; one submission).

Submission:

Mayo Clinic Laboratories, Mayo Clinic
Classification: Uncertain significance. Last evaluated: 2023-10-02. Review status: criteria provided, single submitter. Criteria: ACMG Guidelines, 2015. Collection method: clinical testing. Allele origin: germline. Observed: 1 variant allele.
Comment: BP4

NM_000081.4(LYST):c.3101T>C (p.Met1034Thr)

Gene: LYST (lysosomal trafficking regulator; minus strand). Cytogenetic location: 1q42.3.
Variant type: single nucleotide variant.
Coding change: c.3101T>C on transcript NM_000081.4 (MANE Select); coding-DNA position 3101, T replaced by C.
Protein change: p.Met1034Thr; replaces methionine 1034 with threonine.
Molecular consequence: missense variant.
Genome position (GRCh38, 1-based): chr1:235,806,035, A>G on the plus strand (T>C on the coding strand, the complement: LYST is on the minus strand). VCF-style: chr1-235806035-A-G. GRCh37 (hg19) VCF-style: chr1-235969335-A-G.
Other names: p.Met1034Thr; c.3101T>C, p.Met1034Thr (NM_001301365.1); short protein forms M1034T.
Identifiers: ClinVar variation 3380778 (VCV003380778.1).
Genomic context (GRCh38, chr1:235,806,035, plus strand): 5'-CTACCTAGTTCTGATGGTATGGGGTCACTTTTTATAGCCAAAGATAATAAATCTTCCTTC[A>G]TAGTTCTCTTAGGTTGAGAAATTCTGTTTAAATCCTGGTTTTCATTTACACTTGTATCTC-3'
Protein context (NP_000072.2, residues 1024-1044): LNRISQPKRT[Met1034Thr]KEDLLSLAIK